The following is an entry in ClinVar:

NM_020533.3(MCOLN1):c.1308C>G (p.Tyr436Ter)

Gene: MCOLN1 (mucolipin TRP cation channel 1; plus strand). Cytogenetic location: 19p13.2.
Variant type: single nucleotide variant.
Coding change: c.1308C>G on transcript NM_020533.3 (MANE Select); coding-DNA position 1308, C replaced by G.
Protein change: p.Tyr436Ter; replaces tyrosine 436 with a stop codon.
Molecular consequence: nonsense.
Genome position (GRCh38, 1-based): chr19:7,529,661, C>G. VCF-style: chr19-7529661-C-G. GRCh37 (hg19) VCF-style: chr19-7594547-C-G.
Other names: short protein forms Y436*.
Identifiers: ClinVar variation 813501 (VCV000813501.2), dbSNP rs1599255682, ClinGen allele CA403087853.

ClinVar aggregate classification (germline): Pathogenic/Likely pathogenic. Review status: criteria provided, multiple submitters, no conflicts (2 of 4 stars). 2 submissions from 2 submitters: Pathogenic (1); Likely pathogenic (1). Last evaluated 2024-05-08.

Conditions:
Mucolipidosis type IV (ML4). Also called: ML IV. Identifiers: Orphanet 578, MedGen C0238286, MONDO:0009653, OMIM 252650.

Allele frequency attached by ClinVar (database versions not stated): gnomAD exomes below 0.00001.
gnomAD v4.1: 1 of 1,614,220 alleles (0.000062%); highest among the groups gnomAD compares: East Asian, 0.0022%; no homozygotes.

Submissions (2):

Myriad Genetics, Inc.
Classification: Pathogenic for Mucolipidosis type IV. Last evaluated: 2024-05-08. Review status: criteria provided, single submitter. Criteria: Myriad Autosomal Dominant, Autosomal Recessive and X-Linked Classification Criteria (2023). Collection method: clinical testing. Allele origin: unknown.
Comment: NM_020533.2(MCOLN1):c.1308C>G(Y436*) is expected to be pathogenic in the context of mucolipidosis IV. This variant is predicted to lead to an abnormal or absent protein product due to the creation of a premature termination codon in MCOLN1, a gene where loss-of-function variants are known to be pathogenic. Please note: this variant was assessed in the context of healthy population screening.

Baylor Genetics
Classification: Likely pathogenic for Mucolipidosis type IV. Review status: criteria provided, single submitter. Criteria: ACMG Guidelines, 2015. Collection method: clinical testing. Allele origin: germline.